The following is an entry in ClinVar:

NM_138694.4(PKHD1):c.6210G>A (p.Trp2070Ter)

Gene: PKHD1 (PKHD1 ciliary IPT domain containing fibrocystin/polyductin; minus strand). Cytogenetic location: 6p12.2.
Variant type: single nucleotide variant.
Coding change: c.6210G>A on transcript NM_138694.4 (MANE Select); coding-DNA position 6210, G replaced by A.
Protein change: p.Trp2070Ter; replaces tryptophan 2070 with a stop codon.
Molecular consequence: nonsense.
Genome position (GRCh38, 1-based): chr6:51,912,488, C>T on the plus strand (G>A on the coding strand, the complement: PKHD1 is on the minus strand). VCF-style: chr6-51912488-C-T. GRCh37 (hg19) VCF-style: chr6-51777286-C-T.
Other names: c.6210G>A, p.Trp2070Ter (NM_170724.3); short protein forms W2070*.
Identifiers: ClinVar variation 2031843 (VCV002031843.5), dbSNP rs2536682304, ClinGen allele CA364439787.
Genomic context (GRCh38, chr6:51,912,488, plus strand): 5'-CATCGGTTTGGCACCTTTAACACCTGTTCCACTGATGATGACAACTTCATCCCCAGGGTT[C>T]CAGTCCACAGCATCTTCTAAAGCCAGCACTGTGTCTAGGGCATGGGCAGTTGCTCTAAGA-3'

ClinVar aggregate classification (germline): Pathogenic. Review status: criteria provided, multiple submitters, no conflicts (2 of 4 stars). 2 submissions from 2 submitters: Pathogenic (2). Last evaluated 2024-01-04.

Conditions:
Autosomal recessive polycystic kidney disease (ARPKD). Also called: AR polycystic kidney disease. Identifiers: Orphanet 731, Orphanet 8378, MedGen C0085548, MeSH D017044, MONDO:0009889.
Polycystic kidney disease 4 (PKD4). Also called: POLYCYSTIC KIDNEY AND HEPATIC DISEASE 1; POLYCYSTIC KIDNEY DISEASE, INFANTILE, TYPE I; PKD3; Autosomal Recessive Polycystic Kidney Disease – PKHD1; POLYCYSTIC KIDNEY DISEASE 4 WITH OR WITHOUT POLYCYSTIC LIVER DISEASE. Identifiers: MedGen C4540575, MONDO:0033004, OMIM 263200.

Submissions (2):

Labcorp Genetics (formerly Invitae), Labcorp
Classification: Pathogenic for Autosomal recessive polycystic kidney disease. Last evaluated: 2024-01-04. Review status: criteria provided, single submitter. Criteria: Invitae Variant Classification Sherloc (09022015). Collection method: clinical testing. Allele origin: germline.
Comment: This sequence change creates a premature translational stop signal (p.Trp2070*) in the PKHD1 gene. It is expected to result in an absent or disrupted protein product. Loss-of-function variants in PKHD1 are known to be pathogenic (PMID: 19940839). This variant is not present in population databases (gnomAD no frequency). This premature translational stop signal has been observed in individual(s) with autosomal recessive polycystic kidney disease (PMID: 15108281). ClinVar contains an entry for this variant (Variation ID: 2031843). For these reasons, this variant has been classified as Pathogenic.

Baylor Genetics
Classification: Pathogenic for Polycystic kidney disease 4. Last evaluated: 2023-03-20. Review status: criteria provided, single submitter. Criteria: ACMG Guidelines, 2015. Collection method: clinical testing. Allele origin: unknown.

Literature cited by the submitters: PubMed 19940839 (cited by Labcorp Genetics (formerly Invitae), Labcorp); PubMed 15108281 (cited by Labcorp Genetics (formerly Invitae), Labcorp).